The following is an entry in ClinVar:

NM_001369.3(DNAH5):c.12785G>A (p.Arg4262Lys)

Gene: DNAH5 (dynein axonemal heavy chain 5; minus strand). Cytogenetic location: 5p15.2.
Variant type: single nucleotide variant.
Coding change: c.12785G>A on transcript NM_001369.3 (MANE Select); coding-DNA position 12785, G replaced by A.
Protein change: p.Arg4262Lys; replaces arginine 4262 with lysine.
Molecular consequence: missense variant.
Genome position (GRCh38, 1-based): chr5:13,716,611, C>T on the plus strand (G>A on the coding strand, the complement: DNAH5 is on the minus strand). VCF-style: chr5-13716611-C-T. GRCh37 (hg19) VCF-style: chr5-13716720-C-T.
Other names: short protein forms R4262K.
Identifiers: ClinVar variation 947312 (VCV000947312.10), dbSNP rs1744308032, ClinGen allele CA359204116.

ClinVar aggregate classification (germline): Uncertain significance (1 of 4 stars; one submission).

Conditions:
Primary ciliary dyskinesia. Also called: Ciliary dyskinesia. Identifiers: Orphanet 244, MedGen C0008780, MONDO:0016575, HP:0012265.

Allele frequency attached by ClinVar (database versions not stated): gnomAD exomes below 0.00001.
gnomAD v4.1: 3 of 1,613,890 alleles (0.00019%); highest among the groups gnomAD compares: Non-Finnish European, 0.00017%; no homozygotes.

Submission:

Labcorp Genetics (formerly Invitae), Labcorp
Classification: Uncertain significance for Primary ciliary dyskinesia. Last evaluated: 2022-06-04. Review status: criteria provided, single submitter. Criteria: Invitae Variant Classification Sherloc (09022015). Collection method: clinical testing. Allele origin: germline.
Comment: In summary, the available evidence is currently insufficient to determine the role of this variant in disease. Therefore, it has been classified as a Variant of Uncertain Significance. Advanced modeling of protein sequence and biophysical properties (such as structural, functional, and spatial information, amino acid conservation, physicochemical variation, residue mobility, and thermodynamic stability) performed at Invitae indicates that this missense variant is not expected to disrupt DNAH5 protein function. ClinVar contains an entry for this variant (Variation ID: 947312). This variant has not been reported in the literature in individuals affected with DNAH5-related conditions. This variant is not present in population databases (gnomAD no frequency). This sequence change replaces arginine, which is basic and polar, with lysine, which is basic and polar, at codon 4262 of the DNAH5 protein (p.Arg4262Lys).